The following is an entry in ClinVar:

ClinVar aggregate classification (germline): Benign. Review status: criteria provided, multiple submitters, no conflicts (2 of 4 stars). 3 submissions from 3 submitters: Benign (3). Last evaluated 2024-02-01.

Allele frequency attached by ClinVar (database versions not stated): gnomAD exomes 0.00538 and 0.00740; gnomAD 0.00566 and 0.00599; 1000 Genomes Project 0.00619; ESP Exome Variant Server 0.00646; TOPMed 0.00654; ExAC 0.00787; 1000 Genomes Project 30x 0.00515.
gnomAD v4.1: 9,100 of 1,613,598 alleles (0.56%); highest among the groups gnomAD compares: Middle Eastern, 4.7%; 83 homozygotes.

Submissions (3):

CeGaT Center for Human Genetics Tuebingen
Classification: Benign. Last evaluated: 2024-02-01. Review status: criteria provided, single submitter. Criteria: CeGaT Center For Human Genetics Tuebingen Variant Classification Criteria Version 2. Collection method: clinical testing. Allele origin: germline. Affected: yes. Observed: 2 variant alleles.
Comment: CDK20: BP4, BP7, BS1, BS2

Labcorp Genetics (formerly Invitae), Labcorp
Classification: Benign. Last evaluated: 2019-12-31. Review status: criteria provided, single submitter. Criteria: Invitae Variant Classification Sherloc (09022015). Collection method: clinical testing. Allele origin: germline.

Breakthrough Genomics
Classification: Benign. Review status: criteria provided, single submitter. Criteria: ACMG Guidelines, 2015. Collection method: not provided. Allele origin: germline. Inheritance: Unknown mechanism. Affected: yes.

NM_001039803.3(CDK20):c.219C>T (p.His73=)

Gene: CDK20 (cyclin dependent kinase 20; minus strand). Cytogenetic location: 9q22.1.
Variant type: single nucleotide variant.
Coding change: c.219C>T on transcript NM_001039803.3 (MANE Select); coding-DNA position 219, C replaced by T.
Protein change: p.His73=; no amino-acid change (histidine 73 retained).
Molecular consequence: synonymous variant.
Genome position (GRCh38, 1-based): chr9:87,971,306, G>A on the plus strand (C>T on the coding strand, the complement: CDK20 is on the minus strand). VCF-style: chr9-87971306-G-A. GRCh37 (hg19) VCF-style: chr9-90586221-G-A.
Other names: c.219C>T, p.His73= (NM_001170639.2, NM_001170640.2, NM_012119.5); c.258C>T, p.His86= (NM_178432.4).
Identifiers: ClinVar variation 720314 (VCV000720314.29), dbSNP rs9410653, ClinGen allele CA5114258.